The following is an entry in ClinVar:

ClinVar aggregate classification (germline): Pathogenic (1 of 4 stars; one submission).

Conditions:
KBG syndrome (KBGS). Also called: ANKRD11-Related KBG Syndrome. Identifiers: Orphanet 2332, MedGen C0220687, MONDO:0007846, OMIM 148050.

Submission:

Labcorp Genetics (formerly Invitae), Labcorp
Classification: Pathogenic for KBG syndrome. Last evaluated: 2023-09-04. Review status: criteria provided, single submitter. Criteria: Invitae Variant Classification Sherloc (09022015). Collection method: clinical testing. Allele origin: germline.
Comment: This sequence change creates a premature translational stop signal (p.Gly108Alafs*16) in the ANKRD11 gene. It is expected to result in an absent or disrupted protein product. Loss-of-function variants in ANKRD11 are known to be pathogenic (PMID: 21782149, 25125236, 25413698, 25652421). This variant is not present in population databases (gnomAD no frequency). This variant has not been reported in the literature in individuals affected with ANKRD11-related conditions. For these reasons, this variant has been classified as Pathogenic.

Literature cited by the submitters: PubMed 21782149; PubMed 25125236; PubMed 25413698; PubMed 25652421.

NM_013275.6(ANKRD11):c.323del (p.Gly108fs)

Gene: ANKRD11 (ankyrin repeat domain 11; minus strand). Cytogenetic location: 16q24.3.
Variant type: Deletion.
Coding change: c.323del on transcript NM_013275.6 (MANE Select); coding-DNA position 323, one base deleted (G; older notation c.323delG).
Protein change: p.Gly108fs; shifts the reading frame from glycine 108.
Molecular consequence: frameshift variant. On other transcripts: non-coding transcript variant (1).
Genome position (GRCh38, 1-based): chr16:89,291,087, C deleted on the plus strand (G on the coding strand, the reverse complement: ANKRD11 is on the minus strand); the first of 2 consecutive C bases (chr16:89,291,087-89,291,088); deleting either gives the same sequence. VCF-style (leftmost placement, unchanged base first): chr16-89291086-GC-G. GRCh37 (hg19) VCF-style: chr16-89357494-GC-G.
Other names: c.323del, p.Gly108fs (NM_001256182.2, NM_001256183.2); short protein forms G108fs.
Identifiers: ClinVar variation 2757872 (VCV002757872.3), dbSNP rs2544309375, ClinGen allele CA2697555997.